The following is an entry in ClinVar:

ClinVar aggregate classification (germline): Uncertain significance (1 of 4 stars; one submission).

Conditions:
Autosomal dominant limb-girdle muscular dystrophy type 1F (LGMDD2). Also called: Limb-girdle muscular dystrophy, type 1F; MUSCULAR DYSTROPHY, LIMB-GIRDLE, AUTOSOMAL DOMINANT 2. Identifiers: Orphanet 55595, MedGen C1842062, MONDO:0012034, OMIM 608423.

Submission:

Labcorp Genetics (formerly Invitae), Labcorp
Classification: Uncertain significance for Autosomal dominant limb-girdle muscular dystrophy type 1F. Last evaluated: 2021-11-05. Review status: criteria provided, single submitter. Criteria: Invitae Variant Classification Sherloc (09022015). Collection method: clinical testing. Allele origin: germline.
Comment: This sequence change falls in intron 20 of the TNPO3 gene. It does not directly change the encoded amino acid sequence of the TNPO3 protein. It affects a nucleotide within the consensus splice site. This variant is not present in population databases (gnomAD no frequency). In summary, the available evidence is currently insufficient to determine the role of this variant in disease. Therefore, it has been classified as a Variant of Uncertain Significance. Variants that disrupt the consensus splice site are a relatively common cause of aberrant splicing (PMID: 17576681, 9536098). This variant is also known as c.2599-3_2599-2del. This variant has not been reported in the literature in individuals affected with TNPO3-related conditions.

Literature cited by the submitters: PubMed 17576681; PubMed 9536098.

NM_012470.4(TNPO3):c.2599-3_2599-2del

Gene: TNPO3 (transportin 3; minus strand). Cytogenetic location: 7q32.1.
Variant type: Deletion.
Coding change: c.2599-3_2599-2del on transcript NM_012470.4 (MANE Select); 3 bases into the intron before coding-DNA position 2599 through the canonical splice acceptor site of the intron before coding-DNA position 2599, 2 bases deleted (CA; older notation c.2599-3_2599-2delCA).
Molecular consequence: splice acceptor variant.
Genome position (GRCh38, 1-based): chr7:128,967,394-128,967,395, TG deleted on the plus strand (CA on the coding strand, the reverse complement: TNPO3 is on the minus strand); deleting any 2 consecutive bases within chr7:128,967,394-128,967,396 gives the same sequence; the c. name uses the placement nearest the transcript's 3' end. VCF-style (leftmost placement, unchanged base first): chr7-128967393-CTG-C. GRCh37 (hg19) VCF-style: chr7-128607447-CTG-C.
Other names: c.2455-3_2455-2del (NM_001382221.1); c.2452-3_2452-2del (NM_001382222.1); c.2491-3_2491-2del (NM_001382219.1); c.2407-3_2407-2del (NM_001382223.1, NM_001191028.3); c.2458-3_2458-2del (NM_001382220.1); c.2599-3_2599-2del (NM_001382218.1); c.2701-3_2701-2del (NM_001382216.1); c.2680-3_2680-2del (NM_001382217.1).
Identifiers: ClinVar variation 1424713 (VCV001424713.6), dbSNP rs2128988537, ClinGen allele CA2573141647.